The following is an entry in ClinVar:

NM_170606.3(KMT2C):c.5419C>G (p.Gln1807Glu)

Gene: KMT2C (lysine methyltransferase 2C; minus strand). Cytogenetic location: 7q36.1.
Variant type: single nucleotide variant.
Coding change: c.5419C>G on transcript NM_170606.3 (MANE Select); coding-DNA position 5419, C replaced by G.
Protein change: p.Gln1807Glu; replaces glutamine 1807 with glutamic acid.
Molecular consequence: missense variant.
Genome position (GRCh38, 1-based): chr7:152,182,441, G>C on the plus strand (C>G on the coding strand, the complement: KMT2C is on the minus strand). VCF-style: chr7-152182441-G-C. GRCh37 (hg19) VCF-style: chr7-151879526-G-C.
Other names: short protein forms Q1807E.
Identifiers: ClinVar variation 2483776 (VCV002483776.4), dbSNP rs2129121010, ClinGen allele CA370098922.

ClinVar aggregate classification (germline): Uncertain significance. Review status: criteria provided, multiple submitters, no conflicts (2 of 4 stars). 2 submissions from 2 submitters: Uncertain significance (2). Last evaluated 2025-10-01.

Conditions:
Inborn genetic diseases. Identifiers: MedGen C0950123, MeSH D030342.

Allele frequency attached by ClinVar (database versions not stated): gnomAD exomes below 0.00001.
gnomAD v4.1: 3 of 1,614,120 alleles (0.00019%); highest among the groups gnomAD compares: South Asian, 0.0033%; no homozygotes.

Submissions (2):

Labcorp Genetics (formerly Invitae), Labcorp
Classification: Uncertain significance. Last evaluated: 2025-10-01. Review status: criteria provided, single submitter. Criteria: Invitae Variant Classification Sherloc (09022015). Collection method: clinical testing. Allele origin: germline.
Comment: This sequence change replaces glutamine, which is neutral and polar, with glutamic acid, which is acidic and polar, at codon 1807 of the KMT2C protein (p.Gln1807Glu). This variant is not present in population databases (gnomAD no frequency). This variant has not been reported in the literature in individuals affected with KMT2C-related conditions. ClinVar contains an entry for this variant (Variation ID: 2483776). Invitae Evidence Modeling of protein sequence and biophysical properties (such as structural, functional, and spatial information, amino acid conservation, physicochemical variation, residue mobility, and thermodynamic stability) indicates that this missense variant is expected to disrupt KMT2C protein function with a positive predictive value of 80%. In summary, the available evidence is currently insufficient to determine the role of this variant in disease. Therefore, it has been classified as a Variant of Uncertain Significance.

Ambry Genetics
Classification: Uncertain significance for Inborn genetic diseases. Last evaluated: 2023-02-14. Review status: criteria provided, single submitter. Criteria: Ambry Variant Classification Scheme 2023. Collection method: clinical testing. Allele origin: germline.